The following is an entry in ClinVar:

NM_007194.4(CHEK2):c.1048_1049insA (p.Pro350fs)

Gene: CHEK2 (checkpoint kinase 2; minus strand). Cytogenetic location: 22q12.1.
Variant type: Insertion.
Coding change: c.1048_1049insA on transcript NM_007194.4 (MANE Select); coding-DNA positions 1048 to 1049, A inserted.
Protein change: p.Pro350fs; shifts the reading frame from proline 350.
Molecular consequence: frameshift variant. On other transcripts: intron variant (3).
Genome position: GRCh38 VCF-style: chr22-28696947-G-GT. GRCh37 (hg19) VCF-style: chr22-29092935-G-GT.
Other names: c.1177_1178insA, p.Pro393fs (NM_001005735.3); c.385_386insA, p.Pro129fs (NM_001257387.3, NM_001437942.1); c.847_848insA, p.Pro283fs (NM_001349956.3); c.1141_1142insA, p.Pro381fs (NM_001438293.1); c.1009-1075_1009-1074insA (NM_145862.3); c.1102-1075_1102-1074insA (NM_001438295.1); c.1138-1075_1138-1074insA (NM_001438294.1); short protein forms P350fs, P393fs, P129fs, P283fs, P381fs.
Identifiers: ClinVar variation 2022241 (VCV002022241.4), dbSNP rs2517821894, ClinGen allele CA2580099565.

ClinVar aggregate classification (germline): Pathogenic (1 of 4 stars; one submission).

Conditions:
Familial cancer of breast. Also called: hereditary breast carcinoma; BREAST CANCER, FAMILIAL; Hereditary breast cancer. Identifiers: Orphanet 227535, MedGen C0346153, MONDO:0016419, OMIM 114480. Disease mechanism: loss of function.

Submission:

Labcorp Genetics (formerly Invitae), Labcorp
Classification: Pathogenic for Familial cancer of breast. Last evaluated: 2022-08-08. Review status: criteria provided, single submitter. Criteria: Invitae Variant Classification Sherloc (09022015). Collection method: clinical testing. Allele origin: germline.
Comment: This sequence change creates a premature translational stop signal (p.Pro350Hisfs*19) in the CHEK2 gene. It is expected to result in an absent or disrupted protein product. Loss-of-function variants in CHEK2 are known to be pathogenic (PMID: 21876083, 24713400). This variant is not present in population databases (gnomAD no frequency). This variant has not been reported in the literature in individuals affected with CHEK2-related conditions. For these reasons, this variant has been classified as Pathogenic.

Literature cited by the submitters: PubMed 21876083; PubMed 24713400.